The following is an entry in ClinVar:

ClinVar aggregate classification (germline): Uncertain significance (1 of 4 stars; one submission).

Conditions:
DICER1-related tumor predisposition. Also called: DICER1-related pleuropulmonary blastoma cancer predisposition syndrome; DICER1 syndrome. Identifiers: Orphanet 284343, MedGen C3839822, MONDO:0100216.

Submission:

Labcorp Genetics (formerly Invitae), Labcorp
Classification: Uncertain significance for DICER1-related tumor predisposition. Last evaluated: 2024-07-19. Review status: criteria provided, single submitter. Criteria: Invitae Variant Classification Sherloc (09022015). Collection method: clinical testing. Allele origin: germline.
Comment: This sequence change replaces aspartic acid, which is acidic and polar, with asparagine, which is neutral and polar, at codon 1521 of the DICER1 protein (p.Asp1521Asn). This variant is not present in population databases (gnomAD no frequency). This variant has not been reported in the literature in individuals affected with DICER1-related conditions. An algorithm developed to predict the effect of missense changes on protein structure and function (PolyPhen-2) suggests that this variant is likely to be disruptive. In summary, the available evidence is currently insufficient to determine the role of this variant in disease. Therefore, it has been classified as a Variant of Uncertain Significance.

NM_177438.3(DICER1):c.4561G>A (p.Asp1521Asn)

Gene: DICER1 (dicer 1, ribonuclease III; minus strand). Cytogenetic location: 14q32.13.
Variant type: single nucleotide variant.
Coding change: c.4561G>A on transcript NM_177438.3 (MANE Select); coding-DNA position 4561, G replaced by A.
Protein change: p.Asp1521Asn; replaces aspartic acid 1521 with asparagine.
Molecular consequence: missense variant. On other transcripts: non-coding transcript variant (6).
Genome position (GRCh38, 1-based): chr14:95,096,359, C>T on the plus strand (G>A on the coding strand, the complement: DICER1 is on the minus strand). VCF-style: chr14-95096359-C-T. GRCh37 (hg19) VCF-style: chr14-95562696-C-T.
Other names: c.4561G>A, p.Asp1521Asn (NM_001195573.1, NM_001271282.3, NM_001291628.2 and 13 more transcripts); c.4279G>A, p.Asp1427Asn (NM_001395686.1); c.4156G>A, p.Asp1386Asn (NM_001395687.1, NM_001395688.1, NM_001395689.1 and 2 more transcripts); c.3994G>A, p.Asp1332Asn (NM_001395691.1); c.2878G>A, p.Asp960Asn (NM_001395697.1); short protein forms D1386N, D1521N, D1332N, D960N, D1427N.
Identifiers: ClinVar variation 3011650 (VCV003011650.3), dbSNP rs2139848103, ClinGen allele CA390867814.